The following is an entry in ClinVar:

ClinVar aggregate classification (germline): Uncertain significance. Review status: criteria provided, single submitter (1 of 4 stars). 2 submissions from 2 submitters: Uncertain significance (1). 1 of the submissions does not count toward it. Last evaluated 2026-01-13.

Conditions:
Plasma factor XI deficiency.

gnomAD v4.1: 1 of 1,614,108 alleles (0.000062%); highest among the groups gnomAD compares: Admixed American, 0.0017%; no homozygotes.

Submissions (2):

Women's Health and Genetics/Laboratory Corporation of America, LabCorp
Classification: Uncertain significance. Last evaluated: 2026-01-13. Review status: criteria provided, single submitter. Criteria: LabCorp Variant Classification Summary - May 2015. Collection method: clinical testing. Allele origin: germline.
Comment: Variant summary: F11 c.357C>G (p.Asp119Glu) results in a conservative amino acid change in the encoded protein sequence. Algorithms developed to predict the effect of missense changes on protein structure and function are either unavailable or do not agree on the potential impact of this missense change. The variant allele was found at a frequency of 8e-06 in 251266 control chromosomes. The available data on variant occurrences in the general population are insufficient to allow any conclusion about variant significance. To our knowledge, no occurrence of c.357C>G in individuals affected with F11-related conditions and no experimental evidence demonstrating its impact on protein function have been reported. ClinVar contains an entry for this variant (Variation ID: 4067783). Based on the evidence outlined above, the variant was classified as uncertain significance.

Natera, Inc.
Classification: Uncertain significance for Plasma factor XI deficiency. Last evaluated: 2025-04-11. Review status: no assertion criteria provided. Collection method: clinical testing. Allele origin: germline. Not counted in ClinVar's aggregate classification.

NM_000128.4(F11):c.357C>G (p.Asp119Glu)

Gene: F11 (coagulation factor XI; plus strand). Cytogenetic location: 4q35.2.
Variant type: single nucleotide variant.
Coding change: c.357C>G on transcript NM_000128.4 (MANE Select); coding-DNA position 357, C replaced by G.
Protein change: p.Asp119Glu; replaces aspartic acid 119 with glutamic acid.
Molecular consequence: missense variant.
Genome position (GRCh38, 1-based): chr4:186,274,147, C>G. VCF-style: chr4-186274147-C-G. GRCh37 (hg19) VCF-style: chr4-187195301-C-G.
Other names: c.357C>G, p.Asp119Glu (NM_001354804.2); short protein forms D119E.
Identifiers: ClinVar variation 4067783 (VCV004067783.2).